The following is an entry in ClinVar:

ClinVar aggregate classification (germline): Uncertain significance (1 of 4 stars; one submission).

Conditions:
Autosomal recessive polycystic kidney disease (ARPKD). Also called: AR polycystic kidney disease. Identifiers: Orphanet 731, Orphanet 8378, MedGen C0085548, MeSH D017044, MONDO:0009889.

Allele frequency attached by ClinVar (database versions not stated): gnomAD exomes below 0.00001; TOPMed below 0.00001.
gnomAD v4.1: 6 of 1,614,104 alleles (0.00037%); highest among the groups gnomAD compares: South Asian, 0.0044%; no homozygotes.

Submission:

Labcorp Genetics (formerly Invitae), Labcorp
Classification: Uncertain significance for Autosomal recessive polycystic kidney disease. Last evaluated: 2022-06-28. Review status: criteria provided, single submitter. Criteria: Invitae Variant Classification Sherloc (09022015). Collection method: clinical testing. Allele origin: germline.
Comment: This sequence change falls in intron 22 of the PKHD1 gene. It does not directly change the encoded amino acid sequence of the PKHD1 protein. It affects a nucleotide within the consensus splice site. This variant is present in population databases (rs552721971, gnomAD 0.01%). This variant has not been reported in the literature in individuals affected with PKHD1-related conditions. Variants that disrupt the consensus splice site are a relatively common cause of aberrant splicing (PMID: 17576681, 9536098). Algorithms developed to predict the effect of sequence changes on RNA splicing suggest that this variant may disrupt the consensus splice site. In summary, the available evidence is currently insufficient to determine the role of this variant in disease. Therefore, it has been classified as a Variant of Uncertain Significance.

Literature cited by the submitters: PubMed 17576681; PubMed 9536098.

NM_138694.4(PKHD1):c.2280-3C>T

Gene: PKHD1 (PKHD1 ciliary IPT domain containing fibrocystin/polyductin; minus strand). Cytogenetic location: 6p12.2.
Variant type: single nucleotide variant.
Coding change: c.2280-3C>T on transcript NM_138694.4 (MANE Select); 3 bases into the intron before coding-DNA position 2280, C replaced by T.
Molecular consequence: intron variant.
Genome position (GRCh38, 1-based): chr6:52,048,622, G>A on the plus strand (C>T on the coding strand, the complement: PKHD1 is on the minus strand). VCF-style: chr6-52048622-G-A. GRCh37 (hg19) VCF-style: chr6-51913420-G-A.
Other names: c.2280-3C>T (NM_170724.3).
Identifiers: ClinVar variation 2193586 (VCV002193586.1), dbSNP rs552721971, ClinGen allele CA138966543.